The following is an entry in ClinVar:

NC_000006.12:g.(?_5545160)_(5545360_?)del

Gene: FARS2 (phenylalanyl-tRNA synthetase 2, mitochondrial; plus strand). Cytogenetic location: 6p25.1.
Variant type: Deletion.
Identifiers: ClinVar variation 833172 (VCV000833172.2).

ClinVar aggregate classification (germline): Pathogenic (1 of 4 stars; one submission).

Conditions:
Combined oxidative phosphorylation defect type 14. Also called: Combined oxidative phosphorylation deficiency 14. Identifiers: Orphanet 319519, MedGen C4755312, MONDO:0013986, OMIM 614946.

Submission:

Labcorp Genetics (formerly Invitae), Labcorp
Classification: Pathogenic for Combined oxidative phosphorylation defect type 14. Last evaluated: 2022-10-25. Review status: criteria provided, single submitter. Criteria: Invitae Variant Classification Sherloc (09022015). Collection method: clinical testing. Allele origin: germline.
Comment: This variant is a gross deletion of the genomic region encompassing exon(s) 5 of the FARS2 gene. This deletion is out-of-frame, and is expected to create a premature termination codon and result in an absent or disrupted protein product. Loss-of-function variants in FARS2 are known to be pathogenic (PMID: 22833457). This variant has not been reported in the literature in individuals affected with FARS2-related conditions. For these reasons, this variant has been classified as Pathogenic.

Literature cited by the submitters: PubMed 22833457.